The following is an entry in ClinVar:

NM_004082.5(DCTN1):c.3746C>T (p.Thr1249Ile)

Gene: DCTN1 (dynactin subunit 1; minus strand). Cytogenetic location: 2p13.1.
Variant type: single nucleotide variant.
Coding change: c.3746C>T on transcript NM_004082.5 (MANE Select); coding-DNA position 3746, C replaced by T.
Protein change: p.Thr1249Ile; replaces threonine 1249 with isoleucine.
Molecular consequence: missense variant. On other transcripts: non-coding transcript variant (1).
Genome position (GRCh38, 1-based): chr2:74,361,590, G>A on the plus strand (C>T on the coding strand, the complement: DCTN1 is on the minus strand). VCF-style: chr2-74361590-G-A. GRCh37 (hg19) VCF-style: chr2-74588717-G-A.
Other names: c.3671C>T, p.Thr1224Ile (NM_001135040.3); c.3329C>T, p.Thr1110Ile (NM_001135041.3); c.3620C>T, p.Thr1207Ile (NM_001190836.2); c.3725C>T, p.Thr1242Ile (NM_001190837.2); c.3695C>T, p.Thr1232Ile (NM_001378991.1); c.3677C>T, p.Thr1226Ile (NM_001378992.1); c.3344C>T, p.Thr1115Ile (NM_023019.4); short protein forms T1249I, T1207I, T1115I, T1224I, T1242I, T1110I, T1226I, T1232I.
Identifiers: ClinVar variation 8402 (VCV000008402.108), dbSNP rs72466496, ClinGen allele CA119583.

ClinVar aggregate classification (germline): Benign/Likely benign. Review status: criteria provided, multiple submitters, no conflicts (2 of 4 stars). 15 submissions from 14 submitters: Benign (9); Likely benign (3). 3 of the submissions do not count toward it. Last evaluated 2026-09-01.

Conditions:
Inborn genetic diseases. Identifiers: MedGen C0950123, MeSH D030342.
Amyotrophic lateral sclerosis type 1 (ALS1). Also called: AMYOTROPHIC LATERAL SCLEROSIS 1, FAMILIAL. Identifiers: Orphanet 803, MedGen C1862939, MONDO:0007103, OMIM 105400.
Neuronopathy, distal hereditary motor, type 7B. Also called: HMN VIIB; NEURONOPATHY, DISTAL HEREDITARY MOTOR, AUTOSOMAL DOMINANT 14; NEURONOPATHY, DISTAL HEREDITARY MOTOR, HARDING TYPE VIIB; NEUROPATHY, DISTAL HEREDITARY MOTOR, HARDING TYPE VIIB; NEUROPATHY, DISTAL HEREDITARY MOTOR, WITH VOCAL CORD PARALYSIS, HARDING TYPE VIIB; LOWER MOTOR NEURON DISEASE, DYNACTIN TYPE. Identifiers: Orphanet 139589, MedGen C1843315, MONDO:0011879, OMIM 607641.
Perry syndrome. Also called: PARKINSONISM WITH ALVEOLAR HYPOVENTILATION AND MENTAL DEPRESSION. Identifiers: Orphanet 178509, MedGen C1868594, MONDO:0008201, OMIM 168605.
Amyotrophic lateral sclerosis, susceptibility to. Identifiers: MedGen C4016314.

Allele frequency attached by ClinVar (database versions not stated): 1000 Genomes Project 0.00100; 1000 Genomes Project 30x 0.00109; gnomAD 0.00287 and 0.00284; gnomAD exomes 0.00288 and 0.00498; TOPMed 0.00294; ExAC 0.00304.
gnomAD v4.1: 7,627 of 1,614,110 alleles (0.47%); highest among the groups gnomAD compares: Non-Finnish European, 0.59%; 31 homozygotes.

Submissions (15):

CeGaT Center for Human Genetics Tuebingen
Classification: Likely benign. Last evaluated: 2026-09-01. Review status: criteria provided, single submitter. Criteria: CeGaT Center For Human Genetics Tuebingen Variant Classification Criteria Version 2. Collection method: clinical testing. Allele origin: germline. Affected: yes. Observed: 43 variant alleles.
Comment: DCTN1: BS2

Labcorp Genetics (formerly Invitae), Labcorp
Classification: Benign for Amyotrophic lateral sclerosis type 1; Neuronopathy, distal hereditary motor, type 7B; Perry syndrome. Last evaluated: 2026-02-03. Review status: criteria provided, single submitter. Criteria: Invitae Variant Classification Sherloc (09022015). Collection method: clinical testing. Allele origin: germline.

Blueprint Genetics
Classification: Benign. Last evaluated: 2024-11-22. Review status: criteria provided, single submitter. Criteria: ACMG Guidelines, 2015. Collection method: clinical testing. Allele origin: germline.

ARUP Laboratories, Molecular Genetics and Genomics, ARUP Laboratories
Classification: Benign. Last evaluated: 2024-03-14. Review status: criteria provided, single submitter. Criteria: ARUP Molecular Germline Variant Investigation Process 2024. Collection method: clinical testing. Allele origin: germline.

Ambry Genetics
Classification: Likely benign for Inborn genetic diseases. Last evaluated: 2020-06-02. Review status: criteria provided, single submitter. Criteria: Ambry Variant Classification Scheme 2023. Collection method: clinical testing. Allele origin: germline.

GeneDx
Classification: Benign. Last evaluated: 2019-08-15. Review status: criteria provided, single submitter. Criteria: GeneDx Variant Classification Process June 2021. Collection method: clinical testing. Allele origin: germline. Affected: yes.
Comment: This variant is associated with the following publications: (PMID: 28430856, 27132499, 15326253, 23143281)

Mendelics
Classification: Benign for Amyotrophic lateral sclerosis type 1. Last evaluated: 2019-05-28. Review status: criteria provided, single submitter. Criteria: Mendelics Assertion Criteria 2017. Collection method: clinical testing. Allele origin: unknown.

Athena Diagnostics
Classification: Benign. Last evaluated: 2018-05-03. Review status: criteria provided, single submitter. Criteria: Athena Diagnostics Criteria. Collection method: clinical testing. Allele origin: germline.

Illumina Laboratory Services, Illumina
Classification: Benign for Perry syndrome. Last evaluated: 2018-03-06. Review status: criteria provided, single submitter. Criteria: ICSL Variant Classification Criteria 13 December 2019. Collection method: clinical testing. Allele origin: germline.
Comment: This variant was observed in the ICSL laboratory as part of a predisposition screen in an ostensibly healthy population. It had not been previously curated by ICSL or reported in the Human Gene Mutation Database (HGMD: prior to June 1st, 2018), and was therefore a candidate for classification through an automated scoring system. Utilizing variant allele frequency, disease prevalence and penetrance estimates, and inheritance mode, an automated score was calculated to assess if this variant is too frequent to cause the disease. Based on the score and internal cut-off values, a variant classified as benign is not then subjected to further curation. The score for this variant resulted in a classification of benign for this disease.

Illumina Laboratory Services, Illumina
Classification: Benign for Neuronopathy, distal hereditary motor, type 7B. Last evaluated: 2018-03-06. Review status: criteria provided, single submitter. Criteria: ICSL Variant Classification Criteria 13 December 2019. Collection method: clinical testing. Allele origin: germline.
Comment: the same text as in the submission from Illumina Laboratory Services, Illumina above.

Mayo Clinic Laboratories, Mayo Clinic
Classification: Benign. Last evaluated: 2018-01-15. Review status: criteria provided, single submitter. Criteria: ACMG Guidelines, 2015. Collection method: clinical testing. Allele origin: germline. Observed: 23 variant alleles.

Breakthrough Genomics
Classification: Likely benign. Review status: criteria provided, single submitter. Criteria: ACMG Guidelines, 2015. Collection method: not provided. Allele origin: germline. Inheritance: Autosomal recessive inheritance. Affected: yes.

Inherited Neuropathy Consortium Ii, University Of Miami
Classification: Uncertain significance for Perry syndrome. Last evaluated: 2016-01-06. Review status: no assertion criteria provided. Collection method: literature only. Allele origin: germline. Affected: yes. Not counted in ClinVar's aggregate classification.

OMIM
Classification: risk factor for AMYOTROPHIC LATERAL SCLEROSIS, SUSCEPTIBILITY TO. Last evaluated: 2009-06-09. Review status: no assertion criteria provided. Collection method: literature only. Allele origin: germline. Not counted in ClinVar's aggregate classification.

Northcott Neuroscience Laboratory, ANZAC Research Institute
Classification: Benign. Review status: no assertion criteria provided. Collection method: not provided. Allele origin: unknown. Not counted in ClinVar's aggregate classification.
Comment: HMN
ClinVar note: Converted during submission from non-pathogenic to Benign.

Literature cited by the submitters: PubMed 23143281 (cited by Ambry Genetics and Athena Diagnostics); PubMed 15326253 (cited by 3 submitters); PubMed 27132499 (cited by Athena Diagnostics); PubMed 28430856 (cited by Athena Diagnostics); PubMed 25382069 (cited by Athena Diagnostics); PubMed 19506225 (cited by Athena Diagnostics and OMIM); PubMed 26662454 (cited by Athena Diagnostics); PubMed 18812314 (cited by Athena Diagnostics).